The following is an entry in ClinVar:

ClinVar aggregate classification (germline): Uncertain significance. Review status: criteria provided, multiple submitters, no conflicts (2 of 4 stars). 2 submissions from 2 submitters: Uncertain significance (2). Last evaluated 2025-04-09.

Conditions:
Inborn genetic diseases. Identifiers: MedGen C0950123, MeSH D030342.

Allele frequency attached by ClinVar (database versions not stated): gnomAD 0.00001; gnomAD exomes 0.00005 and 0.00001; TOPMed 0.00003; ExAC 0.00004.
gnomAD v4.1: 17 of 1,613,424 alleles (0.0011%); highest among the groups gnomAD compares: Admixed American, 0.02%; no homozygotes.

Submissions (2):

Ambry Genetics
Classification: Uncertain significance for Inborn genetic diseases. Last evaluated: 2025-04-09. Review status: criteria provided, single submitter. Criteria: Ambry Variant Classification Scheme 2023. Collection method: clinical testing. Allele origin: germline.

Labcorp Genetics (formerly Invitae), Labcorp
Classification: Uncertain significance. Last evaluated: 2021-09-29. Review status: criteria provided, single submitter. Criteria: Invitae Variant Classification Sherloc (09022015). Collection method: clinical testing. Allele origin: germline.
Comment: This sequence change replaces proline with serine at codon 331 of the ADSSL1 protein (p.Pro331Ser). There is a moderate physicochemical difference between proline and serine. This variant is present in population databases (rs773069031, ExAC 0.04%). This variant has not been reported in the literature in individuals affected with ADSSL1-related conditions. Algorithms developed to predict the effect of missense changes on protein structure and function are either unavailable or do not agree on the potential impact of this missense change (SIFT: "Not Available"; PolyPhen-2: "Probably Damaging"; Align-GVGD: "Not Available"). In summary, the available evidence is currently insufficient to determine the role of this variant in disease. Therefore, it has been classified as a Variant of Uncertain Significance.

NM_152328.5(ADSS1):c.862C>T (p.Pro288Ser)

Gene: ADSS1 (adenylosuccinate synthase 1; plus strand). Cytogenetic location: 14q32.33.
Variant type: single nucleotide variant.
Coding change: c.862C>T on transcript NM_152328.5 (MANE Select); coding-DNA position 862, C replaced by T.
Protein change: p.Pro288Ser; replaces proline 288 with serine.
Molecular consequence: missense variant.
Genome position (GRCh38, 1-based): chr14:104,741,916, C>T. VCF-style: chr14-104741916-C-T. GRCh37 (hg19) VCF-style: chr14-105208253-C-T.
Other names: c.247C>T, p.Pro83Ser (NM_001320424.1); c.991C>T, p.Pro331Ser (NM_199165.2); c.991C>T (NM_199165.1); short protein forms P288S, P331S, P83S.
Identifiers: ClinVar variation 1681977 (VCV001681977.4), dbSNP rs773069031, ClinGen allele CA7373902.